The following is an entry in ClinVar:

ClinVar aggregate classification (germline): Uncertain significance (1 of 4 stars; one submission).

Conditions:
ALG9 congenital disorder of glycosylation (CDG1L). Also called: ALG9-CDG; CONGENITAL DISORDER OF GLYCOSYLATION, TYPE Il; CDG Il. Identifiers: Orphanet 79328, MedGen C2931006, MONDO:0012117, OMIM 608776.

Allele frequency attached by ClinVar (database versions not stated): gnomAD exomes below 0.00001; ExAC 0.00001.
gnomAD v4.1: 3 of 1,614,092 alleles (0.00019%); highest among the groups gnomAD compares: Admixed American, 0.0033%; no homozygotes.

Submission:

Labcorp Genetics (formerly Invitae), Labcorp
Classification: Uncertain significance for ALG9 congenital disorder of glycosylation. Last evaluated: 2022-04-02. Review status: criteria provided, single submitter. Criteria: Invitae Variant Classification Sherloc (09022015). Collection method: clinical testing. Allele origin: germline.
Comment: In summary, the available evidence is currently insufficient to determine the role of this variant in disease. Therefore, it has been classified as a Variant of Uncertain Significance. Variants that disrupt the consensus splice site are a relatively common cause of aberrant splicing (PMID: 17576681, 9536098). Experimental studies and prediction algorithms are not available or were not evaluated, and the effect of this variant on mRNA splicing is currently unknown. This variant has not been reported in the literature in individuals affected with ALG9-related conditions. This variant is present in population databases (rs781902066, gnomAD 0.006%). This sequence change falls in intron 11 of the ALG9 gene. It does not directly change the encoded amino acid sequence of the ALG9 protein. It affects a nucleotide within the consensus splice site.

Literature cited by the submitters: PubMed 17576681; PubMed 9536098.

NM_024740.2(ALG9):c.1324+6T>G

Gene: ALG9 (ALG9 alpha-1,2-mannosyltransferase; minus strand). Cytogenetic location: 11q23.1.
Variant type: single nucleotide variant.
Coding change: c.1324+6T>G on transcript NM_024740.2 (MANE Select); 6 bases into the intron after coding-DNA position 1324, T replaced by G.
Molecular consequence: intron variant.
Genome position (GRCh38, 1-based): chr11:111,838,243, A>C on the plus strand (T>G on the coding strand, the complement: ALG9 is on the minus strand). VCF-style: chr11-111838243-A-C. GRCh37 (hg19) VCF-style: chr11-111708966-A-C.
Other names: c.790+6T>G (NM_001352409.1, NM_001352410.1, NM_001352412.2 and 6 more transcripts); c.1180+6T>G (NM_001352418.1); c.1303+6T>G (NM_001352417.1, NM_001077690.1); c.811+6T>G (NM_001352413.1, NM_001352414.2, NM_001077691.2 and 1 more transcripts); c.715+6T>G (NM_001352422.2); c.667+6T>G (NM_001352423.2).
Identifiers: ClinVar variation 1925558 (VCV001925558.3), dbSNP rs781902066, ClinGen allele CA6274460.
Genomic context (GRCh38, chr11:111,838,243, plus strand): 5'-GAATCAAGTAAAACCTAAGAGCAAGTGACTCGTCAGTGTAGGTTAAGATATTCTTAGAAG[A>C]TCTACCTCTGAACAGTGCCACAGAGCGAGAAAATGACAAGAGCCCAAACAGGAAGACAGT-3'